The following is an entry in ClinVar:

ClinVar aggregate classification (germline): Conflicting classifications of pathogenicity. Review status: criteria provided, conflicting classifications (1 of 4 stars). 2 submissions from 2 submitters: Pathogenic (1); Uncertain significance (1). Last evaluated 2025-06-22.

Allele frequency attached by ClinVar (database versions not stated): gnomAD exomes 0.00001.
gnomAD v4.1: 11 of 1,613,206 alleles (0.00068%); highest among the groups gnomAD compares: Non-Finnish European, 0.00093%; no homozygotes.

Submissions (2):

Labcorp Genetics (formerly Invitae), Labcorp
Classification: Pathogenic. Last evaluated: 2025-06-22. Review status: criteria provided, single submitter. Criteria: Invitae Variant Classification Sherloc (09022015). Collection method: clinical testing. Allele origin: germline.
Comment: This sequence change affects codon 589 of the PROM1 mRNA. It is a 'silent' change, meaning that it does not change the encoded amino acid sequence of the PROM1 protein. This variant also falls at the last nucleotide of exon 15, which is part of the consensus splice site for this exon. This variant is present in population databases (no rsID available, gnomAD 0.0009%). This variant has been observed in individual(s) with retinitis pigmentosa and/or Stargardt disease (PMID: 36259723; internal data). ClinVar contains an entry for this variant (Variation ID: 1946623). Variants that disrupt the consensus splice site are a relatively common cause of aberrant splicing (PMID: 17576681, 9536098). Algorithms developed to predict the effect of sequence changes on RNA splicing suggest that this variant may disrupt the consensus splice site. For these reasons, this variant has been classified as Pathogenic.

Blueprint Genetics
Classification: Uncertain significance. Last evaluated: 2024-07-10. Review status: criteria provided, single submitter. Criteria: ACMG Guidelines, 2015. Collection method: clinical testing. Allele origin: germline.

Literature cited by the submitters: PubMed 36259723 (cited by Labcorp Genetics (formerly Invitae), Labcorp); PubMed 17576681 (cited by Labcorp Genetics (formerly Invitae), Labcorp); PubMed 9536098 (cited by Labcorp Genetics (formerly Invitae), Labcorp).

NM_006017.3(PROM1):c.1767G>A (p.Glu589=)

Gene: PROM1 (prominin 1; minus strand). Cytogenetic location: 4p15.32.
Variant type: single nucleotide variant.
Coding change: c.1767G>A on transcript NM_006017.3 (MANE Select); coding-DNA position 1767, G replaced by A.
Protein change: p.Glu589=; no amino-acid change (glutamic acid 589 retained).
Molecular consequence: synonymous variant.
Genome position (GRCh38, 1-based): chr4:15,993,987, C>T on the plus strand (G>A on the coding strand, the complement: PROM1 is on the minus strand). VCF-style: chr4-15993987-C-T. GRCh37 (hg19) VCF-style: chr4-15995610-C-T.
Other names: c.1740G>A, p.Glu580= (NM_001145847.2, NM_001145848.2, NM_001145851.2 and 4 more transcripts); c.1767G>A, p.Glu589= (NM_001145849.2, NM_001145850.2).
Identifiers: ClinVar variation 1946623 (VCV001946623.6), dbSNP rs1187150199, ClinGen allele CA438383309.